The following is an entry in ClinVar:

ClinVar aggregate classification (germline): Pathogenic. Review status: reviewed by expert panel (3 of 4 stars). 13 submissions from 13 submitters: Pathogenic (1). 12 of the submissions do not count toward it. Last evaluated 2016-09-08.

Conditions:
Hereditary cancer-predisposing syndrome. Also called: Neoplastic Syndromes, Hereditary; Hereditary Cancer Syndrome; Tumor predisposition; Hereditary neoplastic syndrome. Identifiers: Orphanet 140162, MedGen C0027672, MeSH D009386, MONDO:0015356.
Hereditary breast ovarian cancer syndrome. Also called: Hereditary breast and ovarian cancer syndrome; Hereditary breast and ovarian cancer; Hereditary breast and ovarian cancer syndrome (HBOC); Breast and ovarian cancer; BRCA1- and BRCA2-Associated Hereditary Breast and Ovarian Cancer; Hereditary breast and/or ovarian cancer syndrome. Identifiers: Orphanet 145, MedGen C0677776, MeSH D061325, MONDO:0003582. Disease mechanism: loss of function.
Breast-ovarian cancer, familial, susceptibility to, 2 (BROVCA2). Also called: BRCA2 Hereditary Breast and Ovarian Cancer. Identifiers: Orphanet 145, MedGen C2675520, MONDO:0012933, OMIM 612555. Disease mechanism: loss of function.
Breast carcinoma. Also called: Carcinoma of breast. Identifiers: MedGen C0678222, MONDO:0004989, HP:0003002.

Allele frequency attached by ClinVar (database versions not stated): gnomAD exomes below 0.00001.

Submissions (13):

Evidence-based Network for the Interpretation of Germline Mutant Alleles (ENIGMA)
Classification: Pathogenic for Breast-ovarian cancer, familial, susceptibility to, 2. Last evaluated: 2016-09-08. Review status: reviewed by expert panel. Criteria: ENIGMA BRCA1/2 Classification Criteria (2015). Collection method: curation. Allele origin: germline.
Comment: Variant allele predicted to encode a truncated non-functional protein.

Praxis Für Humangenetik, Biosciencia MVZ Labor Saar
Classification: Pathogenic for Hereditary cancer-predisposing syndrome. Last evaluated: 2025-12-09. Review status: criteria provided, single submitter. Criteria: ACMG Guidelines, 2015. Collection method: clinical testing. Allele origin: germline. Not counted in ClinVar's aggregate classification.
Comment: PVS1, PM2, PS4

GeneDx
Classification: Pathogenic. Last evaluated: 2025-06-30. Review status: criteria provided, single submitter. Criteria: GeneDx Variant Classification Process June 2021. Collection method: clinical testing. Allele origin: germline. Affected: yes. Not counted in ClinVar's aggregate classification.
Comment: Observed in individuals with personal or family history consistent with pathogenic variants in this gene (PMID: 12655560, 24156927, 26843898, 32658311, 35418818); Frameshift variant predicted to result in protein truncation or nonsense mediated decay in a gene for which loss of function is a known mechanism of disease; Truncating variants in this gene are considered pathogenic by a well-established clinical consortium and/or database; Not observed at significant frequency in large population cohorts (gnomAD); Also known as 9255del; This variant is associated with the following publications: (PMID: 12655560, 26187060, 26843898, 24156927, 22228431, 29446198, 32658311, 35220195, 36367610, 35418818, 37851290, 31723001)

Ambry Genetics
Classification: Pathogenic for Hereditary cancer-predisposing syndrome. Last evaluated: 2024-04-29. Review status: criteria provided, single submitter. Criteria: Ambry Variant Classification Scheme 2023. Collection method: clinical testing. Allele origin: germline. Not counted in ClinVar's aggregate classification.
Comment: The c.9027delT pathogenic mutation, located in coding exon 22 of the BRCA2 gene, results from a deletion of one nucleotide at nucleotide position 9027, causing a translational frameshift with a predicted alternate stop codon (p.H3010Ifs*18). This mutation has been reported in multiple individuals with Hereditary Breast and Ovarian Cancer (HBOC) syndrome (Manguoglu AE et al. Hum. Mutat. 2003 Apr; 21(4):444-5; Tea MK et al. Maturitas 2014 Jan; 77(1):68-72; Wojcik P et al. Hered Cancer Clin Pract 2016;14:5; Rebbeck TR et al. Hum. Mutat., 2018 05;39:593-620). In addition to the clinical data presented in the literature, this alteration is expected to result in loss of function by premature protein truncation or nonsense-mediated mRNA decay. As such, this alteration is interpreted as a disease-causing mutation.

Labcorp Genetics (formerly Invitae), Labcorp
Classification: Pathogenic for Hereditary breast ovarian cancer syndrome. Last evaluated: 2024-04-15. Review status: criteria provided, single submitter. Criteria: Invitae Variant Classification Sherloc (09022015). Collection method: clinical testing. Allele origin: germline. Not counted in ClinVar's aggregate classification.
Comment: This sequence change creates a premature translational stop signal (p.His3010Ilefs*18) in the BRCA2 gene. It is expected to result in an absent or disrupted protein product. Loss-of-function variants in BRCA2 are known to be pathogenic (PMID: 20104584). This variant is not present in population databases (gnomAD no frequency). This premature translational stop signal has been observed in individual(s) with a personal and/or family history of breast and/or ovarian cancer (PMID: 12655560, 24156927, 26843898, 32658311). This variant is also known as c.9255delT. ClinVar contains an entry for this variant (Variation ID: 52731). For these reasons, this variant has been classified as Pathogenic.

Institute of Human Genetics Munich, TUM University Hospital
Classification: Pathogenic for Breast-ovarian cancer, familial, susceptibility to, 2. Last evaluated: 2022-12-20. Review status: criteria provided, single submitter. Criteria: Classification criteria August 2017. Collection method: clinical testing. Allele origin: maternal. Inheritance: Autosomal dominant inheritance. Affected: yes. Observed: 2 variant alleles. Not counted in ClinVar's aggregate classification.

Color Diagnostics, LLC DBA Color Health
Classification: Pathogenic for Hereditary cancer-predisposing syndrome. Last evaluated: 2022-08-15. Review status: criteria provided, single submitter. Criteria: ACMG Guidelines, 2015. Collection method: clinical testing. Allele origin: germline. Not counted in ClinVar's aggregate classification.
Comment: This variant deletes 1 nucleotide in exon 23 of the BRCA2 gene, creating a frameshift and premature translation stop signal. This variant is expected to result in an absent or non-functional protein product. This variant has been reported in at least two individuals affected with breast or ovarian cancer (PMID: 12655560, 24156927, 26843898) and has been identified in 2 families among the CIMBA participants (PMID: 29446198). This variant has not been identified in the general population by the Genome Aggregation Database (gnomAD). Loss of BRCA2 function is a known mechanism of disease. Based on the available evidence, this variant is classified as Pathogenic.

Institute for Clinical Genetics, University Hospital TU Dresden, University Hospital TU Dresden
Classification: Pathogenic. Last evaluated: 2021-11-03. Review status: criteria provided, single submitter. Criteria: ACMG Guidelines, 2015. Collection method: clinical testing. Allele origin: germline. Not counted in ClinVar's aggregate classification.

Women's Health and Genetics/Laboratory Corporation of America, LabCorp
Classification: Pathogenic for Hereditary breast and ovarian cancer syndrome. Last evaluated: 2017-11-03. Review status: criteria provided, single submitter. Criteria: LabCorp Variant Classification Summary - May 2015. Collection method: clinical testing. Allele origin: germline. Not counted in ClinVar's aggregate classification.
Comment: Variant summary: The BRCA2 c.9027delT (p.His3010IlefsX18) variant results in a premature termination codon, predicted to cause a truncated or absent BRCA2 protein due to nonsense mediated decay, which are commonly known mechanisms for disease. Truncations downstream of this position have been classified as pathogenic by our laboratory (e.g. c.9076C>T (p.Gln3026X), c.9093_9094delinsG (p.Thr3033fsX29), c.9097dupA (p.Thr3033fsX11)). The variant has been reported in multiple HBOC affected individuals in literature (Manguoglu 2003, Tea 2014, Wojcik 2016). This variant is absent in 245484 control chromosomes. In addition, multiple clinical diagnostic laboratories/reputable databases classified this variant as pathogenic. Taken together, this variant is classified as pathogenic.

Consortium of Investigators of Modifiers of BRCA1/2 (CIMBA), c/o University of Cambridge
Classification: Pathogenic for Breast-ovarian cancer, familial, susceptibility to, 2. Last evaluated: 2015-10-02. Review status: criteria provided, single submitter. Criteria: CIMBA Mutation Classification guidelines May 2016. Collection method: clinical testing. Allele origin: germline. Not counted in ClinVar's aggregate classification.

Medical Genetics Laboratory, Umraniye Training and Research Hospital, University of Health Sciences
Classification: Pathogenic for Breast carcinoma. Last evaluated: 2021-08-08. Review status: no assertion criteria provided. Collection method: clinical testing. Allele origin: germline. Inheritance: Autosomal dominant inheritance. Affected: yes. Observed: 1 variant allele, 1 heterozygote. Not counted in ClinVar's aggregate classification.

BRCAlab, Lund University
Classification: Pathogenic for Breast-ovarian cancer, familial, susceptibility to, 2. Last evaluated: 2020-03-02. Review status: no assertion criteria provided. Collection method: clinical testing. Allele origin: germline. Affected: yes. Not counted in ClinVar's aggregate classification.

Breast Cancer Information Core (BIC) (BRCA2)
Classification: Pathogenic for Breast-ovarian cancer, familial 2. Last evaluated: 2004-02-20. Review status: no assertion criteria provided. Collection method: clinical testing. Allele origin: germline. Affected: yes. Observed: 1 variant allele. Not counted in ClinVar's aggregate classification.

Literature cited by the submitters: PubMed 12655560 (cited by 4 submitters); PubMed 24156927 (cited by 4 submitters); PubMed 26843898 (cited by 4 submitters); PubMed 29446198 (cited by Ambry Genetics and Color Diagnostics, LLC DBA Color Health); PubMed 20104584 (cited by Labcorp Genetics (formerly Invitae), Labcorp); PubMed 32658311 (cited by Labcorp Genetics (formerly Invitae), Labcorp); PubMed 22228431 (cited by Women's Health and Genetics/Laboratory Corporation of America, LabCorp); PubMed 20960228 (cited by Women's Health and Genetics/Laboratory Corporation of America, LabCorp).

NM_000059.4(BRCA2):c.9027del (p.His3010fs)

Gene: BRCA2 (BRCA2 DNA repair associated; plus strand). Cytogenetic location: 13q13.1.
Variant type: Deletion.
Coding change: c.9027del on transcript NM_000059.4 (MANE Select); coding-DNA position 9027, one base deleted (T; older notation c.9027delT).
Protein change: p.His3010fs; shifts the reading frame from histidine 3010.
Molecular consequence: frameshift variant.
Genome position (GRCh38, 1-based): chr13:32,379,823, T deleted. VCF-style (leftmost placement, unchanged base first): chr13-32379822-AT-A. GRCh37 (hg19) VCF-style: chr13-32953959-AT-A.
Other names: 9255delT; c.9027delT (NM_000059.3).
Identifiers: ClinVar variation 52731 (VCV000052731.31), dbSNP rs80359742, ClinGen allele CA025935.